The following is an entry in ClinVar:

NM_001243177.4(ALDOA):c.590C>A (p.Ala197Asp)

Genes: ALDOA (aldolase, fructose-bisphosphate A; plus strand), LOC112694756 (uncharaterized LOC112694756; plus strand). Cytogenetic location: 16p11.2.
Variant type: single nucleotide variant.
Coding change: c.590C>A on transcript NM_001243177.4 (MANE Select); coding-DNA position 590, C replaced by A.
Protein change: p.Ala197Asp; replaces alanine 197 with aspartic acid.
Molecular consequence: missense variant. On other transcripts: 3 prime UTR variant (3).
Genome position (GRCh38, 1-based): chr16:30,068,866, C>A. VCF-style: chr16-30068866-C-A. GRCh37 (hg19) VCF-style: chr16-30080187-C-A.
Other names: c.428C>A, p.Ala143Asp (NM_184043.2, NM_001127617.2, NM_184041.5); c.*937C>A (NM_001365304.2, NM_001365305.2, NM_001365307.2); short protein forms A143D, A197D.
Identifiers: ClinVar variation 2006827 (VCV002006827.4), dbSNP rs748069154, ClinGen allele CA395487948.
Genomic context (GRCh38, chr16:30,068,866, plus strand): 5'-CTCTTCTCTTAGGGTTGGATGGGCTGTCTGAGCGCTGTGCCCAGTACAAGAAGGACGGAG[C>A]TGACTTCGCCAAGTGGCGTTGTGTGCTGAAGATTGGGGAACACACCCCCTCAGCCCTCGC-3'
Protein context (NP_001230106.1, residues 187-207): ERCAQYKKDG[Ala197Asp]DFAKWRCVLK

ClinVar aggregate classification (germline): Uncertain significance (1 of 4 stars; one submission).

Conditions:
HNSHA due to aldolase A deficiency (GSD12). Also called: GLYCOGEN STORAGE DISEASE XII; GSD XII; RED CELL ALDOLASE DEFICIENCY; Glycogen storage disease due to aldolase A deficiency. Identifiers: Orphanet 57, MedGen C0272066, MONDO:0012747, OMIM 611881.

Submission:

Labcorp Genetics (formerly Invitae), Labcorp
Classification: Uncertain significance for HNSHA due to aldolase A deficiency. Last evaluated: 2022-06-25. Review status: criteria provided, single submitter. Criteria: Invitae Variant Classification Sherloc (09022015). Collection method: clinical testing. Allele origin: germline.
Comment: In summary, the available evidence is currently insufficient to determine the role of this variant in disease. Therefore, it has been classified as a Variant of Uncertain Significance. Algorithms developed to predict the effect of missense changes on protein structure and function are either unavailable or do not agree on the potential impact of this missense change (SIFT: "Tolerated"; PolyPhen-2: "Probably Damaging"; Align-GVGD: "Class C0"). This variant has not been reported in the literature in individuals affected with ALDOA-related conditions. This variant is not present in population databases (gnomAD no frequency). This sequence change replaces alanine, which is neutral and non-polar, with aspartic acid, which is acidic and polar, at codon 143 of the ALDOA protein (p.Ala143Asp).